The following is an entry in ClinVar:

NM_018060.4(IARS2):c.1885G>A (p.Gly629Arg)

Gene: IARS2 (isoleucyl-tRNA synthetase 2, mitochondrial; plus strand). Cytogenetic location: 1q41.
Variant type: single nucleotide variant.
Coding change: c.1885G>A on transcript NM_018060.4 (MANE Select); coding-DNA position 1885, G replaced by A.
Protein change: p.Gly629Arg; replaces glycine 629 with arginine.
Molecular consequence: missense variant.
Genome position (GRCh38, 1-based): chr1:220,134,449, G>A. VCF-style: chr1-220134449-G-A. GRCh37 (hg19) VCF-style: chr1-220307791-G-A.
Other names: c.1885G>A (NM_018060.3); short protein forms G629R.
Identifiers: ClinVar variation 1515643 (VCV001515643.8), dbSNP rs754840461, ClinGen allele CA1401618.

ClinVar aggregate classification (germline): Uncertain significance. Review status: criteria provided, multiple submitters, no conflicts (2 of 4 stars). 2 submissions from 2 submitters: Uncertain significance (2). Last evaluated 2025-10-23.

Conditions:
Inborn genetic diseases. Identifiers: MedGen C0950123, MeSH D030342.

Allele frequency attached by ClinVar (database versions not stated): ExAC 0.00002; TOPMed 0.00004; gnomAD 0.00003; gnomAD exomes 0.00001.
gnomAD v4.1: 17 of 1,613,122 alleles (0.0011%); highest among the groups gnomAD compares: East Asian, 0.0067%; no homozygotes.

Submissions (2):

Ambry Genetics
Classification: Uncertain significance for Inborn genetic diseases. Last evaluated: 2025-10-23. Review status: criteria provided, single submitter. Criteria: Ambry Variant Classification Scheme 2023. Collection method: clinical testing. Allele origin: germline.

Labcorp Genetics (formerly Invitae), Labcorp
Classification: Uncertain significance. Last evaluated: 2021-04-20. Review status: criteria provided, single submitter. Criteria: Invitae Variant Classification Sherloc (09022015). Collection method: clinical testing. Allele origin: germline.
Comment: In summary, the available evidence is currently insufficient to determine the role of this variant in disease. Therefore, it has been classified as a Variant of Uncertain Significance. Algorithms developed to predict the effect of missense changes on protein structure and function are either unavailable or do not agree on the potential impact of this missense change (SIFT: "Tolerated"; PolyPhen-2: "Probably Damaging"; Align-GVGD: "Class C0"). This variant has not been reported in the literature in individuals with IARS2-related conditions. This variant is present in population databases (rs754840461, ExAC 0.01%). This sequence change replaces glycine with arginine at codon 629 of the IARS2 protein (p.Gly629Arg). The glycine residue is moderately conserved and there is a moderate physicochemical difference between glycine and arginine.